The following is an entry in ClinVar:

ClinVar aggregate classification (germline): Uncertain significance (1 of 4 stars; one submission).

Allele frequency attached by ClinVar (database versions not stated): TOPMed 0.00001; gnomAD 0.00002.
gnomAD v4.1: 9 of 1,208,972 alleles (0.00074%); highest among the groups gnomAD compares: Non-Finnish European, 0.001%; no homozygotes.

Submission:

Labcorp Genetics (formerly Invitae), Labcorp
Classification: Uncertain significance. Last evaluated: 2024-12-17. Review status: criteria provided, single submitter. Criteria: Invitae Variant Classification Sherloc (09022015). Collection method: clinical testing. Allele origin: germline.
Comment: This sequence change replaces valine, which is neutral and non-polar, with isoleucine, which is neutral and non-polar, at codon 100 of the PGK1 protein (p.Val100Ile). This variant is not present in population databases (gnomAD no frequency). This variant has not been reported in the literature in individuals affected with PGK1-related conditions. ClinVar contains an entry for this variant (Variation ID: 2846456). Invitae Evidence Modeling of protein sequence and biophysical properties (such as structural, functional, and spatial information, amino acid conservation, physicochemical variation, residue mobility, and thermodynamic stability) indicates that this missense variant is not expected to disrupt PGK1 protein function with a negative predictive value of 80%. In summary, the available evidence is currently insufficient to determine the role of this variant in disease. Therefore, it has been classified as a Variant of Uncertain Significance.

NM_000291.4(PGK1):c.298G>A (p.Val100Ile)

Gene: PGK1 (phosphoglycerate kinase 1; plus strand). Cytogenetic location: Xq21.1.
Variant type: single nucleotide variant.
Coding change: c.298G>A on transcript NM_000291.4 (MANE Select); coding-DNA position 298, G replaced by A.
Protein change: p.Val100Ile; replaces valine 100 with isoleucine.
Molecular consequence: missense variant.
Genome position (GRCh38, 1-based): chrX:78,114,041, G>A. VCF-style: chrX-78114041-G-A. GRCh37 (hg19) VCF-style: chrX-77369538-G-A.
Other names: short protein forms V100I.
Identifiers: ClinVar variation 2846456 (VCV002846456.3), dbSNP rs1390691165, ClinGen allele CA413719571.